The following is an entry in ClinVar:

NM_004369.4(COL6A3):c.6185G>A (p.Gly2062Asp)

Gene: COL6A3 (collagen type VI alpha 3 chain; minus strand). Cytogenetic location: 2q37.3.
Variant type: single nucleotide variant.
Coding change: c.6185G>A on transcript NM_004369.4 (MANE Select); coding-DNA position 6185, G replaced by A.
Protein change: p.Gly2062Asp; replaces glycine 2062 with aspartic acid.
Molecular consequence: missense variant.
Genome position (GRCh38, 1-based): chr2:237,361,146, C>T on the plus strand (G>A on the coding strand, the complement: COL6A3 is on the minus strand). VCF-style: chr2-237361146-C-T. GRCh37 (hg19) VCF-style: chr2-238269789-C-T.
Other names: c.4364G>A, p.Gly1455Asp (NM_057166.5); c.5567G>A, p.Gly1856Asp (NM_057167.4); short protein forms G2062D, G1856D, G1455D.
Identifiers: ClinVar variation 1401383 (VCV001401383.8), dbSNP rs2106343480, ClinGen allele CA351217448.
Genomic context (GRCh38, chr2:237,361,146, plus strand): 5'-GTGAAATTTTAGGGACTAAAACAATTTTTACTTACGGGTCCACCCTCATCACCAGGATAG[C>T]CTCGGTAGCCGTCTTCTCCAGGAATACCCTGAAACAAAGTAATCGGGTCCTCTGTTTAAT-3'
Protein context (NP_004360.2, residues 2052-2072): KGIPGEDGYR[Gly2062Asp]YPGDEGGPGE

ClinVar aggregate classification (germline): Uncertain significance (1 of 4 stars; one submission).

Conditions:
Bethlem myopathy 1A. Also called: Bethlem myopathy 1; Bethlem Muscular Dystrophy; MYOPATHY, BENIGN CONGENITAL, WITH CONTRACTURES. Identifiers: Orphanet 610, MedGen CN029274, MONDO:0024530, OMIM 158810.

Submission:

Labcorp Genetics (formerly Invitae), Labcorp
Classification: Uncertain significance for Bethlem myopathy 1A. Last evaluated: 2025-06-24. Review status: criteria provided, single submitter. Criteria: Invitae Variant Classification Sherloc (09022015). Collection method: clinical testing. Allele origin: germline.
Comment: This sequence change replaces glycine, which is neutral and non-polar, with aspartic acid, which is acidic and polar, at codon 2062 of the COL6A3 protein (p.Gly2062Asp). This variant is not present in population databases (gnomAD no frequency). This missense change has been observed in individual(s) with clinical features of autosomal dominant COL6A3-related conditions (internal data). ClinVar contains an entry for this variant (Variation ID: 1401383). Invitae Evidence Modeling of protein sequence and biophysical properties (such as structural, functional, and spatial information, amino acid conservation, physicochemical variation, residue mobility, and thermodynamic stability) indicates that this missense variant is expected to disrupt COL6A3 protein function with a positive predictive value of 80%. This variant disrupts the triple helix domain of COL6A3. Glycine residues within the Gly-Xaa-Yaa repeats of the triple helix domain are required for the structure and stability of fibrillar collagens (PMID: 7695699, 8218237, 19344236). In COL6A3, missense variants at these glycine residues are significantly enriched in individuals with autosomal dominant disease (PMID: 15689448, 24038877) compared to the general population (ExAC). In summary, the available evidence is currently insufficient to determine the role of this variant in disease. Therefore, it has been classified as a Variant of Uncertain Significance.

Literature cited by the submitters: PubMed 7695699; PubMed 8218237; PubMed 19344236; PubMed 15689448; PubMed 24038877.